The following is an entry in ClinVar:

ClinVar aggregate classification (germline): Uncertain significance. Review status: criteria provided, multiple submitters, no conflicts (2 of 4 stars). 6 submissions from 6 submitters: Uncertain significance (4). 2 of the submissions do not count toward it. Last evaluated 2024-05-04.

Conditions:
Hereditary cancer-predisposing syndrome. Also called: Tumor predisposition; Hereditary Cancer Syndrome; Neoplastic Syndromes, Hereditary; Hereditary neoplastic syndrome. Identifiers: Orphanet 140162, MedGen C0027672, MeSH D009386, MONDO:0015356.
Microcephaly, normal intelligence and immunodeficiency (NBS). Also called: Nijmegen breakage syndrome; Microcephaly with normal intelligence immunodeficiency and lymphoreticular malignancies; Nonsyndromal microcephaly autosomal recessive with normal intelligence; Seemanova syndrome 2; BERLIN BREAKAGE SYNDROME; IMMUNODEFICIENCY, MICROCEPHALY, AND CHROMOSOMAL INSTABILITY. Identifiers: Orphanet 647, MedGen C0398791, MONDO:0009623, OMIM 251260.

Allele frequency attached by ClinVar (database versions not stated): gnomAD 0.00001 and 0.00002; gnomAD exomes 0.00001; ExAC 0.00002; TOPMed 0.00002; ESP Exome Variant Server 0.00008; 1000 Genomes Project 0.00020; 1000 Genomes Project 30x 0.00031.

Submissions (6):

Ambry Genetics
Classification: Uncertain significance for Hereditary cancer-predisposing syndrome. Last evaluated: 2024-05-04. Review status: criteria provided, single submitter. Criteria: Ambry Variant Classification Scheme 2023. Collection method: clinical testing. Allele origin: germline.
Comment: The p.G680S variant (also known as c.2038G>A), located in coding exon 13 of the NBN gene, results from a G to A substitution at nucleotide position 2038. The glycine at codon 680 is replaced by serine, an amino acid with similar properties. This amino acid position is well conserved in available vertebrate species. In addition, this alteration is predicted to be tolerated by in silico analysis. Since supporting evidence is limited at this time, the clinical significance of this alteration remains unclear.

Labcorp Genetics (formerly Invitae), Labcorp
Classification: Uncertain significance for Microcephaly, normal intelligence and immunodeficiency. Last evaluated: 2022-09-06. Review status: criteria provided, single submitter. Criteria: Invitae Variant Classification Sherloc (09022015). Collection method: clinical testing. Allele origin: germline.
Comment: This sequence change replaces glycine, which is neutral and non-polar, with serine, which is neutral and polar, at codon 680 of the NBN protein (p.Gly680Ser). This variant is present in population databases (rs200564603, gnomAD 0.008%). This variant has not been reported in the literature in individuals affected with NBN-related conditions. ClinVar contains an entry for this variant (Variation ID: 219546). Algorithms developed to predict the effect of missense changes on protein structure and function output the following: SIFT: "Tolerated"; PolyPhen-2: "Benign"; Align-GVGD: "Class C0". The serine amino acid residue is found in multiple mammalian species, which suggests that this missense change does not adversely affect protein function. In summary, the available evidence is currently insufficient to determine the role of this variant in disease. Therefore, it has been classified as a Variant of Uncertain Significance.

Genome-Nilou Lab
Classification: Uncertain significance for Microcephaly, normal intelligence and immunodeficiency. Last evaluated: 2021-11-07. Review status: criteria provided, single submitter. Criteria: ACMG Guidelines, 2015. Collection method: clinical testing. Allele origin: germline. Affected: no.

Quest Diagnostics Nichols Institute San Juan Capistrano
Classification: Uncertain significance. Last evaluated: 2017-04-06. Review status: criteria provided, single submitter. Criteria: Quest Diagnostics criteria. Collection method: clinical testing. Allele origin: germline.

Natera, Inc.
Classification: Uncertain significance for Nijmegen breakage syndrome. Last evaluated: 2020-09-16. Review status: no assertion criteria provided. Collection method: clinical testing. Allele origin: germline. Not counted in ClinVar's aggregate classification.

Counsyl
Classification: Uncertain significance for Microcephaly, normal intelligence and immunodeficiency. Last evaluated: 2017-12-12. Review status: no assertion criteria provided. Collection method: clinical testing. Allele origin: unknown. Not counted in ClinVar's aggregate classification.

NM_002485.5(NBN):c.2038G>A (p.Gly680Ser)

Gene: NBN (nibrin; minus strand). Cytogenetic location: 8q21.3.
Variant type: single nucleotide variant.
Coding change: c.2038G>A on transcript NM_002485.5 (MANE Select); coding-DNA position 2038, G replaced by A.
Protein change: p.Gly680Ser; replaces glycine 680 with serine.
Molecular consequence: missense variant.
Genome position (GRCh38, 1-based): chr8:89,946,172, C>T on the plus strand (G>A on the coding strand, the complement: NBN is on the minus strand). VCF-style: chr8-89946172-C-T. GRCh37 (hg19) VCF-style: chr8-90958400-C-T.
Other names: c.1792G>A, p.Gly598Ser (NM_001024688.3); short protein forms G680S, G598S.
Identifiers: ClinVar variation 219546 (VCV000219546.16), dbSNP rs200564603, ClinGen allele CA349023.